The following is an entry in ClinVar:

NM_002661.5(PLCG2):c.2225G>A (p.Arg742His)

Gene: PLCG2 (phospholipase C gamma 2; plus strand). Cytogenetic location: 16q23.3.
Variant type: single nucleotide variant.
Coding change: c.2225G>A on transcript NM_002661.5 (MANE Select); coding-DNA position 2225, G replaced by A.
Protein change: p.Arg742His; replaces arginine 742 with histidine.
Molecular consequence: missense variant.
Genome position (GRCh38, 1-based): chr16:81,919,654, G>A. VCF-style: chr16-81919654-G-A. GRCh37 (hg19) VCF-style: chr16-81953259-G-A.
Other names: short protein forms R742H.
Identifiers: ClinVar variation 2080614 (VCV002080614.4), dbSNP rs756480279, ClinGen allele CA8194123.

ClinVar aggregate classification (germline): Uncertain significance (1 of 4 stars; one submission).

Conditions:
Familial cold autoinflammatory syndrome 3 (FCAS3). Also called: FAMILIAL ATYPICAL COLD URTICARIA; ANTIBODY DEFICIENCY AND IMMUNE DYSREGULATION, PLCG2-ASSOCIATED. Identifiers: Orphanet 300359, MedGen C3280914, MONDO:0013766, OMIM 614468.

Allele frequency attached by ClinVar (database versions not stated): ExAC 0.00002; gnomAD exomes 0.00002; gnomAD 0.00003.
gnomAD v4.1: 28 of 1,612,864 alleles (0.0017%); highest among the groups gnomAD compares: Admixed American, 0.0033%; no homozygotes.

Submission:

Labcorp Genetics (formerly Invitae), Labcorp
Classification: Uncertain significance for Familial cold autoinflammatory syndrome 3. Last evaluated: 2025-09-09. Review status: criteria provided, single submitter. Criteria: Invitae Variant Classification Sherloc (09022015). Collection method: clinical testing. Allele origin: germline.
Comment: This sequence change replaces arginine, which is basic and polar, with histidine, which is basic and polar, at codon 742 of the PLCG2 protein (p.Arg742His). This variant is present in population databases (rs756480279, gnomAD 0.004%). This missense change has been observed in individual(s) with common variable immunodefciency (PMID: 33859323, 37769878). ClinVar contains an entry for this variant (Variation ID: 2080614). An algorithm developed to predict the effect of missense changes on protein structure and function (PolyPhen-2) suggests that this variant is likely to be tolerated. Experimental studies are conflicting or provide insufficient evidence to determine the effect of this variant on PLCG2 function (PMID: 37769878). In summary, the available evidence is currently insufficient to determine the role of this variant in disease. Therefore, it has been classified as a Variant of Uncertain Significance.

Literature cited by the submitters: PubMed 33859323; PubMed 37769878.